The following is an entry in ClinVar:

NM_001382391.1(CSPP1):c.-142C>A

Gene: CSPP1 (centrosome and spindle pole associated protein 1; plus strand). Cytogenetic location: 8q13.1.
Variant type: single nucleotide variant.
Coding change: c.-142C>A on transcript NM_001382391.1 (MANE Select); 142 bases upstream of the start codon, C replaced by A.
Molecular consequence: 5 prime UTR variant. On other transcripts: missense variant (3).
Genome position (GRCh38, 1-based): chr8:67,064,407, C>A. VCF-style: chr8-67064407-C-A. GRCh37 (hg19) VCF-style: chr8-67976642-C-A.
Other names: c.-142C>A (NM_001363131.2, NM_001363132.2, NM_001363133.2); c.9C>A, p.Phe3Leu (NM_001364869.1, NM_001364870.1, NM_024790.7); short protein forms F3L.
Identifiers: ClinVar variation 1488784 (VCV001488784.8), dbSNP rs1023702149, ClinGen allele CA178228092.
Genomic context (GRCh38, chr8:67,064,407, plus strand): 5'-GGCGAGCGGAGGGCTGGGCCTGAGGGGCGGAGCCCCGGCCCGGAGGTCTGTCATGCTGTT[C>A]CCGCTCCAGGTGGCCGCTGTAACCTCTTCGGTCCGCGACGATCCTCTAGAGCACTGTGTG-3'

ClinVar aggregate classification (germline): Uncertain significance (1 of 4 stars; one submission).

Conditions:
Joubert syndrome 21 (JBTS21). Identifiers: MedGen C3810212, MONDO:0014288, OMIM 615636.

Allele frequency attached by ClinVar (database versions not stated): gnomAD exomes below 0.00001.
gnomAD v4.1: 4 of 1,613,654 alleles (0.00025%); highest among the groups gnomAD compares: African/African-American, 0.004%; no homozygotes.

Submission:

Labcorp Genetics (formerly Invitae), Labcorp
Classification: Uncertain significance for Joubert syndrome 21. Last evaluated: 2021-07-09. Review status: criteria provided, single submitter. Criteria: Invitae Variant Classification Sherloc (09022015). Collection method: clinical testing. Allele origin: germline.
Comment: This sequence change replaces phenylalanine with leucine at codon 3 of the CSPP1 protein (p.Phe3Leu). The phenylalanine residue is weakly conserved and there is a small physicochemical difference between phenylalanine and leucine. This variant is not present in population databases (ExAC no frequency). This variant has not been reported in the literature in individuals with CSPP1-related conditions. Algorithms developed to predict the effect of missense changes on protein structure and function output the following: SIFT: "Tolerated"; PolyPhen-2: "Benign"; Align-GVGD: "Class C0". The leucine amino acid residue is found in multiple mammalian species, suggesting that this missense change does not adversely affect protein function. These predictions have not been confirmed by published functional studies and their clinical significance is uncertain. In summary, the available evidence is currently insufficient to determine the role of this variant in disease. Therefore, it has been classified as a Variant of Uncertain Significance.